The following is an entry in ClinVar:

NM_005002.5(NDUFA9):c.372T>G (p.Asn124Lys)

Gene: NDUFA9 (NADH:ubiquinone oxidoreductase subunit A9; plus strand). Cytogenetic location: 12p13.32.
Variant type: single nucleotide variant.
Coding change: c.372T>G on transcript NM_005002.5 (MANE Select); coding-DNA position 372, T replaced by G.
Protein change: p.Asn124Lys; replaces asparagine 124 with lysine.
Molecular consequence: missense variant.
Genome position (GRCh38, 1-based): chr12:4,657,801, T>G. VCF-style: chr12-4657801-T-G. GRCh37 (hg19) VCF-style: chr12-4766967-T-G.
Other names: short protein forms N124K.
Identifiers: ClinVar variation 2978632 (VCV002978632.4), dbSNP rs779495089, ClinGen allele CA6398081.
Genomic context (GRCh38, chr12:4,657,801, plus strand): 5'-ATTATAGGAATGGGACGCGAGAGATAAAGATTCTATCCGACGAGTAGTACAACACAGCAA[T>G]GTGGTCATCAATCTTATTGGACGAGACTGGGAAACCAAGTAAGTCTTTGACTCTTGTTTC-3'
Protein context (NP_004993.1, residues 114-134): DSIRRVVQHS[Asn124Lys]VVINLIGRDW

ClinVar aggregate classification (germline): Uncertain significance. Review status: criteria provided, multiple submitters, no conflicts (2 of 4 stars). 2 submissions from 2 submitters: Uncertain significance (2). Last evaluated 2025-05-16.

Conditions:
Inborn genetic diseases. Identifiers: MedGen C0950123, MeSH D030342.

gnomAD v4.1: 54 of 1,613,702 alleles (0.0033%); highest among the groups gnomAD compares: Non-Finnish European, 0.0043%; no homozygotes.

Submissions (2):

Ambry Genetics
Classification: Uncertain significance for Inborn genetic diseases. Last evaluated: 2025-05-16. Review status: criteria provided, single submitter. Criteria: Ambry Variant Classification Scheme 2023. Collection method: clinical testing. Allele origin: germline.

Labcorp Genetics (formerly Invitae), Labcorp
Classification: Uncertain significance. Last evaluated: 2023-12-10. Review status: criteria provided, single submitter. Criteria: Invitae Variant Classification Sherloc (09022015). Collection method: clinical testing. Allele origin: germline.
Comment: This sequence change replaces asparagine, which is neutral and polar, with lysine, which is basic and polar, at codon 124 of the NDUFA9 protein (p.Asn124Lys). This variant is present in population databases (rs779495089, gnomAD 0.009%). This variant has not been reported in the literature in individuals affected with NDUFA9-related conditions. An algorithm developed to predict the effect of missense changes on protein structure and function (PolyPhen-2) suggests that this variant is likely to be disruptive. In summary, the available evidence is currently insufficient to determine the role of this variant in disease. Therefore, it has been classified as a Variant of Uncertain Significance.